The following is an entry in ClinVar:

ClinVar aggregate classification (germline): Uncertain significance (1 of 4 stars; one submission).

Conditions:
Glycogen storage disease, type II (IOPD). Also called: Pompe Disease; CARDIOMEGALIA GLYCOGENICA DIFFUSA; GLYCOGENOSIS, GENERALIZED, CARDIAC FORM; GSD II; POMPE DISEASE, INFANTILE-ONSET; GLYCOGEN STORAGE DISEASE II, INFANTILE-ONSET. Identifiers: Orphanet 365, MedGen C0017921, MONDO:0009290, OMIM 232300.

gnomAD v4.1: 3 of 1,613,348 alleles (0.00019%); highest among the groups gnomAD compares: South Asian, 0.0022%; no homozygotes.

Submission:

Genomenon, Inc
Classification: Uncertain significance for Glycogen storage disease, type II. Last evaluated: 2026-07-01. Review status: criteria provided, single submitter. Criteria: Genomenon Sequence Variant Interpretation Standards - Updated. Collection method: curation. Allele origin: germline. Affected: no.
Comment: GAA p.Tyr458Cys (c.1373A>G) is a missense variant that changes the amino acid at codon 458 from Tyrosine to Cysteine. To our knowledge, this variant has not been reported in patients affected with a GAA-related disorder in the published literature. Well-established functional studies show no damaging effect of this variant on protein function, supporting a benign classification (PMID:22644586). It is absent or not present at a significant frequency in gnomAD. In conclusion, we classify GAA p.Tyr458Cys (c.1373A>G) as a variant of uncertain significance.

Literature cited by the submitters: PubMed 22644586.

NM_000152.5(GAA):c.1373A>G (p.Tyr458Cys)

Gene: GAA (alpha glucosidase; plus strand). Cytogenetic location: 17q25.3.
Variant type: single nucleotide variant.
Coding change: c.1373A>G on transcript NM_000152.5 (MANE Select); coding-DNA position 1373, A replaced by G.
Protein change: p.Tyr458Cys; replaces tyrosine 458 with cysteine.
Molecular consequence: missense variant.
Genome position (GRCh38, 1-based): chr17:80,109,991, A>G. VCF-style: chr17-80109991-A-G. GRCh37 (hg19) VCF-style: chr17-78083790-A-G.
Other names: c.1373A>G, p.Tyr458Cys (NM_001079803.3, NM_001079804.3, NM_001406741.1 and 1 more transcripts); short protein forms Y458C.
Identifiers: ClinVar variation 4876334 (VCV004876334.1).